The following is an entry in ClinVar:

NM_001572.5(IRF7):c.610G>A (p.Asp204Asn)

Gene: IRF7 (interferon regulatory factor 7; minus strand). Cytogenetic location: 11p15.5.
Variant type: single nucleotide variant.
Coding change: c.610G>A on transcript NM_001572.5 (MANE Select); coding-DNA position 610, G replaced by A.
Protein change: p.Asp204Asn; replaces aspartic acid 204 with asparagine.
Molecular consequence: missense variant.
Genome position (GRCh38, 1-based): chr11:614,243, C>T on the plus strand (G>A on the coding strand, the complement: IRF7 is on the minus strand). VCF-style: chr11-614243-C-T. GRCh37 (hg19) VCF-style: chr11-614243-C-T.
Other names: c.610G>A, p.Asp204Asn (NM_004029.4, LRG_1313t1); c.649G>A, p.Asp217Asn (NM_004031.4); short protein forms D217N, D204N.
Identifiers: ClinVar variation 542695 (VCV000542695.31), dbSNP rs41313489, ClinGen allele CA5783892.

ClinVar aggregate classification (germline): Likely benign. Review status: criteria provided, multiple submitters, no conflicts (2 of 4 stars). 7 submissions from 7 submitters: Likely benign (4). 3 of the submissions do not count toward it. Last evaluated 2026-02-01.

Conditions:
Immunodeficiency 39 (IMD39). Identifiers: Orphanet 574918, MedGen C4225358, MONDO:0014597, OMIM 616345.
IRF7-related disorder. Also called: IRF7-related condition.

Allele frequency attached by ClinVar (database versions not stated): 1000 Genomes Project 0.00220; ExAC 0.00224; gnomAD exomes 0.00245 and 0.00414; 1000 Genomes Project 30x 0.00265; gnomAD 0.00313 and 0.00321; ESP Exome Variant Server 0.00354; TOPMed 0.00354.
gnomAD v4.1: 6,536 of 1,612,968 alleles (0.41%); highest among the groups gnomAD compares: Admixed American, 0.57%; 19 homozygotes.

Submissions (7):

Labcorp Genetics (formerly Invitae), Labcorp
Classification: Likely benign for Immunodeficiency 39. Last evaluated: 2026-02-01. Review status: criteria provided, single submitter. Criteria: Invitae Variant Classification Sherloc (09022015). Collection method: clinical testing. Allele origin: germline.

CeGaT Center for Human Genetics Tuebingen
Classification: Likely benign. Last evaluated: 2025-05-01. Review status: criteria provided, single submitter. Criteria: CeGaT Center For Human Genetics Tuebingen Variant Classification Criteria Version 2. Collection method: clinical testing. Allele origin: germline. Affected: yes. Observed: 2 variant alleles.
Comment: IRF7: BS2

Blueprint Genetics
Classification: Likely benign. Last evaluated: 2024-11-27. Review status: criteria provided, single submitter. Criteria: ACMG Guidelines, 2015. Collection method: clinical testing. Allele origin: germline.

Breakthrough Genomics
Classification: Likely benign. Review status: criteria provided, single submitter. Criteria: ACMG Guidelines, 2015. Collection method: not provided. Allele origin: germline. Inheritance: Autosomal recessive inheritance. Affected: yes.

PreventionGenetics, part of Exact Sciences
Classification: Likely benign for IRF7-related condition. Last evaluated: 2022-02-07. Review status: no assertion criteria provided. Collection method: clinical testing. Allele origin: germline. Not counted in ClinVar's aggregate classification.
Comment: This variant is classified as likely benign based on ACMG/AMP sequence variant interpretation guidelines (Richards et al. 2015 PMID: 25741868, with internal and published modifications).

Clinical Genetics DNA and cytogenetics Diagnostics Lab, Erasmus MC, Erasmus Medical Center
Classification: Likely benign. Review status: no assertion criteria provided. Collection method: clinical testing. Allele origin: germline. Affected: yes. Study: VKGL Data-share Consensus. Not counted in ClinVar's aggregate classification.

Genome Diagnostics Laboratory, University Medical Center Utrecht
Classification: Likely benign. Review status: no assertion criteria provided. Collection method: clinical testing. Allele origin: germline. Affected: yes. Study: VKGL Data-share Consensus. Not counted in ClinVar's aggregate classification.